The following is an entry in ClinVar:

NM_000370.3(TTPA):c.255_256delinsCC (p.Asp86His)

Gene: TTPA (alpha tocopherol transfer protein; minus strand). Cytogenetic location: 8q12.3.
Variant type: Indel.
Coding change: c.255_256delinsCC on transcript NM_000370.3 (MANE Select); coding-DNA positions 255 to 256, AG replaced by CC.
Protein change: p.Asp86His; replaces aspartic acid 86 with histidine.
Molecular consequence: missense variant.
Genome position (GRCh38, 1-based): chr8:63,073,037-63,073,038, CT replaced by GG on the plus strand (AG replaced by CC on the coding strand, the reverse complement: TTPA is on the minus strand). VCF-style: chr8-63073037-CT-GG. GRCh37 (hg19) VCF-style: chr8-63985596-CT-GG.
Other names: short protein forms D86H.
Identifiers: ClinVar variation 1478310 (VCV001478310.6), dbSNP rs2129762915, ClinGen allele CA2573143306.
Genomic context (GRCh38, chr8:63,073,037, plus strand): 5'-ATCTCAGGACTCCATGGTAGCCAGCCTTTAGGAGGCCAATAATACTTCTAGGGTGTAGAT[CT>GG]GCACTTATTTCTGGACATTCTGCTCTCCACTTATAATAGTTTTTTAGTAACTGAAAAATA-3'
Protein context (NP_000361.1, residues 76-96): WRAECPEISA[Asp86His]LHPRSIIGLL

ClinVar aggregate classification (germline): Uncertain significance (1 of 4 stars; one submission).

Submission:

Labcorp Genetics (formerly Invitae), Labcorp
Classification: Uncertain significance. Last evaluated: 2024-02-23. Review status: criteria provided, single submitter. Criteria: Invitae Variant Classification Sherloc (09022015). Collection method: clinical testing. Allele origin: germline.
Comment: This sequence change replaces aspartic acid with histidine at codon 86 of the TTPA protein (p.Asp86His). The aspartic acid residue is highly conserved and there is a moderate physicochemical difference between aspartic acid and histidine. Information on the frequency of this variant in the gnomAD database is not available, as this variant may be reported differently in the database. This variant has not been reported in the literature in individuals affected with TTPA-related conditions. ClinVar contains an entry for this variant (Variation ID: 1478310). Experimental studies and prediction algorithms are not available or were not evaluated, and the functional significance of this variant is currently unknown. In summary, the available evidence is currently insufficient to determine the role of this variant in disease. Therefore, it has been classified as a Variant of Uncertain Significance.